The following is an entry in ClinVar:

ClinVar aggregate classification (germline): Benign (1 of 4 stars; one submission).

Conditions:
Sessile serrated polyposis cancer syndrome (SSPCS). Identifiers: Orphanet 157798, MedGen C4310714, MONDO:0014919, OMIM 617108.

Submission:

Myriad Genetics, Inc.
Classification: Benign for Sessile serrated polyposis cancer syndrome. Last evaluated: 2026-06-29. Review status: criteria provided, single submitter. Criteria: Myriad Autosomal Dominant, Autosomal Recessive and X-Linked Classification Criteria (2023). Collection method: clinical testing. Allele origin: unknown.
Comment: This variant is considered benign. This variant is a silent/synonymous amino acid change and it is not expected to impact splicing.

NM_017763.6(RNF43):c.327G>C (p.Leu109=)

Gene: RNF43 (ring finger protein 43; minus strand). Cytogenetic location: 17q22.
Variant type: single nucleotide variant.
Coding change: c.327G>C on transcript NM_017763.6 (MANE Select); coding-DNA position 327, G replaced by C.
Protein change: p.Leu109=; no amino-acid change (leucine 109 retained).
Molecular consequence: synonymous variant. On other transcripts: 5 prime UTR variant (2).
Genome position (GRCh38, 1-based): chr17:58,370,959, C>G on the plus strand (G>C on the coding strand, the complement: RNF43 is on the minus strand). VCF-style: chr17-58370959-C-G. GRCh37 (hg19) VCF-style: chr17-56448320-C-G.
Other names: c.327G>C, p.Leu109= (NM_001305544.3, NM_001438820.1, NM_001438821.1 and 1 more transcripts); c.-55G>C (NM_001305545.2, NM_001437987.1).
Identifiers: ClinVar variation 4875719 (VCV004875719.1).